The following is an entry in ClinVar:

ClinVar aggregate classification (germline): Uncertain significance (1 of 4 stars; one submission).

Submission:

Ambry Genetics
Classification: Uncertain significance. Last evaluated: 2021-09-02. Review status: criteria provided, single submitter. Criteria: Ambry Variant Classification Scheme 2023. Collection method: clinical testing. Allele origin: germline.
Comment: The p.N3023K variant (also known as c.9069C>G), located in coding exon 65 of the PRKDC gene, results from a C to G substitution at nucleotide position 9069. The asparagine at codon 3023 is replaced by lysine, an amino acid with similar properties. This amino acid position is conserved. In addition, this alteration is predicted to be tolerated by in silico analysis. Since supporting evidence is limited at this time, the clinical significance of this alteration remains unclear.

NM_006904.7(PRKDC):c.9069C>G (p.Asn3023Lys)

Gene: PRKDC (protein kinase, DNA-activated, catalytic subunit; minus strand). Cytogenetic location: 8q11.21.
Variant type: single nucleotide variant.
Coding change: c.9069C>G on transcript NM_006904.7 (MANE Select); coding-DNA position 9069, C replaced by G.
Protein change: p.Asn3023Lys; replaces asparagine 3023 with lysine.
Molecular consequence: missense variant.
Genome position (GRCh38, 1-based): chr8:47,821,646, G>C on the plus strand (C>G on the coding strand, the complement: PRKDC is on the minus strand). VCF-style: chr8-47821646-G-C. GRCh37 (hg19) VCF-style: chr8-48734207-G-C.
Other names: c.9069C>G, p.Asn3023Lys (NM_001081640.2); short protein forms N3023K.
Identifiers: ClinVar variation 1765639 (VCV001765639.2), dbSNP rs372872388, ClinGen allele CA371140345.
Genomic context (GRCh38, chr8:47,821,646, plus strand): 5'-TAAAATAATTTTACCCACCTGATAAAATGGTTCACTCCAGATTTTATTTAGGTCTGGGGG[G>C]TTCTCACTGTCTATACTGGCTGTAGAACAGTATTCAAGTGATTTCCACTCAGCAAGGTGG-3'
Protein context (NP_008835.5, residues 3013-3033): YCSTASIDSE[Asn3023Lys]PPDLNKIWSE